The following is an entry in ClinVar:

NM_001195263.2(PDZD7):c.1750-2A>G

Gene: PDZD7 (PDZ domain containing 7; minus strand). Cytogenetic location: 10q24.31.
Variant type: single nucleotide variant.
Coding change: c.1750-2A>G on transcript NM_001195263.2 (MANE Select); the canonical splice acceptor site of the intron before coding-DNA position 1750, A replaced by G.
Molecular consequence: splice acceptor variant.
Genome position (GRCh38, 1-based): chr10:101,012,260, T>C on the plus strand (A>G on the coding strand, the complement: PDZD7 is on the minus strand). VCF-style: chr10-101012260-T-C. GRCh37 (hg19) VCF-style: chr10-102772017-T-C.
Identifiers: ClinVar variation 2136926 (VCV002136926.5), dbSNP rs747536638, ClinGen allele CA212979926.

ClinVar aggregate classification (germline): Likely pathogenic. Review status: criteria provided, multiple submitters, no conflicts (2 of 4 stars). 2 submissions from 2 submitters: Likely pathogenic (2). Last evaluated 2025-04-08.

Conditions:
Hearing loss, autosomal recessive 57. Also called: DEAFNESS, AUTOSOMAL RECESSIVE 57. Identifiers: MedGen C4693893, MONDO:0033201, OMIM 618003.

Allele frequency attached by ClinVar (database versions not stated): gnomAD 0.00001; gnomAD exomes 0.00001; TOPMed 0.00002.
gnomAD v4.1: 8 of 1,549,298 alleles (0.00052%); highest among the groups gnomAD compares: Non-Finnish European, 0.0007%; no homozygotes.

Submissions (2):

Labcorp Genetics (formerly Invitae), Labcorp
Classification: Likely pathogenic. Last evaluated: 2025-04-08. Review status: criteria provided, single submitter. Criteria: Invitae Variant Classification Sherloc (09022015). Collection method: clinical testing. Allele origin: germline.
Comment: This sequence change affects an acceptor splice site in intron 11 of the PDZD7 gene. It is expected to disrupt RNA splicing. Variants that disrupt the donor or acceptor splice site typically lead to a loss of protein function (PMID: 16199547), and loss-of-function variants in PDZD7 are known to be pathogenic (PMID: 20440071). The frequency data for this variant in the population databases is considered unreliable, as metrics indicate poor data quality at this position in the gnomAD database. This variant has not been reported in the literature in individuals affected with PDZD7-related conditions. ClinVar contains an entry for this variant (Variation ID: 2136926). Algorithms developed to predict the effect of sequence changes on RNA splicing suggest that this variant may disrupt the consensus splice site. In summary, the currently available evidence indicates that the variant is pathogenic, but additional data are needed to prove that conclusively. Therefore, this variant has been classified as Likely Pathogenic.

Baylor Genetics
Classification: Likely pathogenic for Hearing loss, autosomal recessive 57. Last evaluated: 2022-09-08. Review status: criteria provided, single submitter. Criteria: ACMG Guidelines, 2015. Collection method: clinical testing. Allele origin: unknown.

Literature cited by the submitters: PubMed 16199547 (cited by Labcorp Genetics (formerly Invitae), Labcorp); PubMed 20440071 (cited by Labcorp Genetics (formerly Invitae), Labcorp).